The following is an entry in ClinVar:

ClinVar aggregate classification (germline): Uncertain significance (1 of 4 stars; one submission).

Conditions:
Biotin-responsive basal ganglia disease (BTBGD). Also called: Thiamine metabolism dysfunction syndrome 2 (biotin- or thiamine-responsive encephalopathy type 2); thiamine-responsive encephalopathy; Thiamine metabolism dysfunction syndrome type 2; Thiamine Transporter-2 Deficiency; THIAMINE METABOLISM DYSFUNCTION SYNDROME 2 (BIOTIN- AND THIAMINE-RESPONSIVE TYPE). Identifiers: Orphanet 199348, Orphanet 65284, MedGen C1843807, MONDO:0011841, OMIM 607483.

Submission:

Labcorp Genetics (formerly Invitae), Labcorp
Classification: Uncertain significance for Biotin-responsive basal ganglia disease. Last evaluated: 2022-01-14. Review status: criteria provided, single submitter. Criteria: Invitae Variant Classification Sherloc (09022015). Collection method: clinical testing. Allele origin: germline.
Comment: This sequence change replaces valine, which is neutral and non-polar, with leucine, which is neutral and non-polar, at codon 213 of the SLC19A3 protein (p.Val213Leu). In summary, the available evidence is currently insufficient to determine the role of this variant in disease. Therefore, it has been classified as a Variant of Uncertain Significance. Advanced modeling of protein sequence and biophysical properties (such as structural, functional, and spatial information, amino acid conservation, physicochemical variation, residue mobility, and thermodynamic stability) performed at Invitae indicates that this missense variant is not expected to disrupt SLC19A3 protein function. ClinVar contains an entry for this variant (Variation ID: 533543). This variant has not been reported in the literature in individuals affected with SLC19A3-related conditions. This variant is not present in population databases (gnomAD no frequency).

NM_025243.4(SLC19A3):c.637G>C (p.Val213Leu)

Gene: SLC19A3 (solute carrier family 19 member 3; minus strand). Cytogenetic location: 2q36.3.
Variant type: single nucleotide variant.
Coding change: c.637G>C on transcript NM_025243.4 (MANE Select); coding-DNA position 637, G replaced by C.
Protein change: p.Val213Leu; replaces valine 213 with leucine.
Molecular consequence: missense variant.
Genome position (GRCh38, 1-based): chr2:227,699,078, C>G on the plus strand (G>C on the coding strand, the complement: SLC19A3 is on the minus strand). VCF-style: chr2-227699078-C-G. GRCh37 (hg19) VCF-style: chr2-228563794-C-G.
Other names: short protein forms V213L.
Identifiers: ClinVar variation 533543 (VCV000533543.9), dbSNP rs534012377, ClinGen allele CA350876803.